The following is an entry in ClinVar:

NM_000169.3(GLA):c.902G>T (p.Arg301Leu)

Genes: GLA (galactosidase alpha; minus strand), RPL36A-HNRNPH2 (RPL36A-HNRNPH2 readthrough; plus strand). Cytogenetic location: Xq22.1.
Variant type: single nucleotide variant.
Coding change: c.902G>T on transcript NM_000169.3 (MANE Select); coding-DNA position 902, G replaced by T.
Protein change: p.Arg301Leu; replaces arginine 301 with leucine.
Molecular consequence: missense variant. On other transcripts: non-coding transcript variant (3), intron variant (2).
Genome position (GRCh38, 1-based): chrX:101,398,467, C>A on the plus strand (G>T on the coding strand, the complement: GLA is on the minus strand). VCF-style: chrX-101398467-C-A. GRCh37 (hg19) VCF-style: chrX-100653455-C-A.
Other names: c.1025G>T, p.Arg342Leu (NM_001406747.1); c.902G>T, p.Arg301Leu (NM_001406748.1); c.300+3010C>A (NM_001199973.2); c.177+6645C>A (NM_001199974.2); short protein forms R301L, R342L.
Identifiers: ClinVar variation 4087573 (VCV004087573.2), dbSNP rs104894828.

ClinVar aggregate classification (germline): Pathogenic (1 of 4 stars; one submission).

Conditions:
Fabry disease. Also called: ALPHA-GALACTOSIDASE A DEFICIENCY; ANDERSON-FABRY DISEASE; CERAMIDE TRIHEXOSIDASE DEFICIENCY; GLA DEFICIENCY; HEREDITARY DYSTOPIC LIPIDOSIS; Angiokeratoma corporis diffusum. Identifiers: Orphanet 324, MedGen C0002986, MONDO:0010526, OMIM 301500, HP:0001071. Disease mechanism: Fabry disease is due to inactivating mutations in the X-linked GLA gene resulting in deficiency of the enzyme Alpha Galactosidase-A., loss of function.

Submission:

Genomenon, Inc
Classification: Pathogenic for Fabry disease. Last evaluated: 2026-09-08. Review status: criteria provided, single submitter. Criteria: Genomenon Sequence Variant Interpretation Standards - Updated. Collection method: curation. Allele origin: germline. Affected: yes.
Comment: GLA p.Arg301Leu (c.902G>T) is a missense variant that changes the amino acid at codon 301 from Arginine to Leucine. This variant has been observed in at least one proband with clinical features consistent with Fabry disease (PMID:29755794;36140787;38002959). The variant was found to segregate with disease in at least one affected family (PMID:36140787). At least one functional study has demonstrated a substantial alteration in protein function relative to the wild-type (PMID:27657681). It is absent or not present at a significant frequency in gnomAD. In silico models predict that this variant is possibly or probably damaging. In conclusion, we classify GLA p.Arg301Leu (c.902G>T) as a pathogenic variant.

Literature cited by the submitters: PubMed 29755794; PubMed 36140787; PubMed 38002959; PubMed 27657681.